The following is an entry in ClinVar:

ClinVar aggregate classification (germline): Uncertain significance (0 of 4 stars; one submission).

Conditions:
NPHP4-related disorder. Also called: NPHP4-related condition; NPHP4-related disorders. Identifiers: MedGen CN239384.

gnomAD v4.1: 14 of 1,589,590 alleles (0.00088%); highest among the groups gnomAD compares: Admixed American, 0.012%; no homozygotes.

Submission:

PreventionGenetics, part of Exact Sciences
Classification: Uncertain significance for NPHP4-related condition. Last evaluated: 2024-05-14. Review status: no assertion criteria provided. Collection method: clinical testing. Allele origin: germline.
Comment: The NPHP4 c.1558G>A variant is predicted to result in the amino acid substitution p.Ala520Thr. To our knowledge, this variant has not been reported in the literature. This variant is reported in 0.0033% of alleles in individuals of Latino descent in gnomAD. At this time, the clinical significance of this variant is uncertain due to the absence of conclusive functional and genetic evidence.

NM_015102.5(NPHP4):c.1558G>A (p.Ala520Thr)

Gene: NPHP4 (nephrocystin 4; minus strand). Cytogenetic location: 1p36.31.
Variant type: single nucleotide variant.
Coding change: c.1558G>A on transcript NM_015102.5 (MANE Select); coding-DNA position 1558, G replaced by A.
Protein change: p.Ala520Thr; replaces alanine 520 with threonine.
Molecular consequence: missense variant. On other transcripts: non-coding transcript variant (1), intron variant (2).
Genome position (GRCh38, 1-based): chr1:5,907,168, C>T on the plus strand (G>A on the coding strand, the complement: NPHP4 is on the minus strand). VCF-style: chr1-5907168-C-T. GRCh37 (hg19) VCF-style: chr1-5967228-C-T.
Other names: c.76-1385G>A (NM_001291594.2); c.76-1388G>A (NM_001291593.2); short protein forms A520T.
Identifiers: ClinVar variation 3347055 (VCV003347055.1).